The following is an entry in ClinVar:

ClinVar aggregate classification (germline): Uncertain significance. Review status: criteria provided, multiple submitters, no conflicts (2 of 4 stars). 2 submissions from 2 submitters: Uncertain significance (2). Last evaluated 2023-07-01.

Conditions:
Inborn genetic diseases. Identifiers: MedGen C0950123, MeSH D030342.

Allele frequency attached by ClinVar (database versions not stated): gnomAD exomes below 0.00001.
gnomAD v4.1: 6 of 1,534,644 alleles (0.00039%); highest among the groups gnomAD compares: Non-Finnish European, 0.00044%; no homozygotes.

Submissions (2):

Ambry Genetics
Classification: Uncertain significance for Inborn genetic diseases. Last evaluated: 2023-07-01. Review status: criteria provided, single submitter. Criteria: Ambry Variant Classification Scheme 2023. Collection method: clinical testing. Allele origin: germline.
Comment: The p.R369H variant (also known as c.1106G>A), located in coding exon 11 of the ERCC2 gene, results from a G to A substitution at nucleotide position 1106. The arginine at codon 369 is replaced by histidine, an amino acid with highly similar properties. This amino acid position is conserved. In addition, the in silico prediction for this alteration is inconclusive. Since supporting evidence is limited at this time, the clinical significance of this alteration remains unclear.

Labcorp Genetics (formerly Invitae), Labcorp
Classification: Uncertain significance. Last evaluated: 2022-09-01. Review status: criteria provided, single submitter. Criteria: Invitae Variant Classification Sherloc (09022015). Collection method: clinical testing. Allele origin: germline.
Comment: This sequence change replaces arginine, which is basic and polar, with histidine, which is basic and polar, at codon 369 of the ERCC2 protein (p.Arg369His). This variant is not present in population databases (gnomAD no frequency). This variant has not been reported in the literature in individuals affected with ERCC2-related conditions. ClinVar contains an entry for this variant (Variation ID: 1430693). Algorithms developed to predict the effect of missense changes on protein structure and function are either unavailable or do not agree on the potential impact of this missense change (SIFT: "Deleterious"; PolyPhen-2: "Probably Damaging"; Align-GVGD: "Class C0"). In summary, the available evidence is currently insufficient to determine the role of this variant in disease. Therefore, it has been classified as a Variant of Uncertain Significance.

NM_000400.4(ERCC2):c.1106G>A (p.Arg369His)

Gene: ERCC2 (ERCC excision repair 2, TFIIH core complex helicase subunit; minus strand). Cytogenetic location: 19q13.32.
Variant type: single nucleotide variant.
Coding change: c.1106G>A on transcript NM_000400.4 (MANE Select); coding-DNA position 1106, G replaced by A.
Protein change: p.Arg369His; replaces arginine 369 with histidine.
Molecular consequence: missense variant.
Genome position (GRCh38, 1-based): chr19:45,363,755, C>T on the plus strand (G>A on the coding strand, the complement: ERCC2 is on the minus strand). VCF-style: chr19-45363755-C-T. GRCh37 (hg19) VCF-style: chr19-45867013-C-T.
Other names: c.1034G>A, p.Arg345His (NM_001130867.2); short protein forms R345H, R369H.
Identifiers: ClinVar variation 1430693 (VCV001430693.7), dbSNP rs951527717, ClinGen allele CA406372007.
Genomic context (GRCh38, chr19:45,363,755, plus strand): 5'-AACCGGGACCTGCCGGGCCCCCACCCCGCGCGCTGTCTGGGGCCGCACCTGAGGGGCTTG[C>T]GCTGGATGCACACGCGCTGGGCCAGGCCGCTCAGGAAGGCGGGCGGGCTCTCCTGCACCA-3'
Protein context (NP_000391.1, residues 359-379): SGLAQRVCIQ[Arg369His]KPLRFCAERL